The following is an entry in ClinVar:

NM_015570.4(AUTS2):c.1058C>T (p.Ala353Val)

Gene: AUTS2 (activator of transcription and developmental regulator AUTS2; plus strand). Cytogenetic location: 7q11.22.
Variant type: single nucleotide variant.
Coding change: c.1058C>T on transcript NM_015570.4 (MANE Select); coding-DNA position 1058, C replaced by T.
Protein change: p.Ala353Val; replaces alanine 353 with valine.
Molecular consequence: missense variant.
Genome position (GRCh38, 1-based): chr7:70,763,185, C>T. VCF-style: chr7-70763185-C-T. GRCh37 (hg19) VCF-style: chr7-70228171-C-T.
Other names: c.1058C>T, p.Ala353Val (NM_001127231.3); short protein forms A353V.
Identifiers: ClinVar variation 1305095 (VCV001305095.2), dbSNP rs2129556998, ClinGen allele CA367667754.

ClinVar aggregate classification (germline): Uncertain significance (1 of 4 stars; one submission).

Submission:

GeneDx
Classification: Uncertain significance. Last evaluated: 2019-04-11. Review status: criteria provided, single submitter. Criteria: GeneDx Variant Classification Process June 2021. Collection method: clinical testing. Allele origin: germline. Affected: yes.
Comment: Not observed in large population cohorts (Lek et al., 2016); In silico analysis, which includes protein predictors and evolutionary conservation, supports that this variant does not alter protein structure/function; Has not been previously published as pathogenic or benign to our knowledge